The following is an entry in ClinVar:

NM_016222.4(DDX41):c.752C>T (p.Pro251Leu)

Gene: DDX41 (DEAD-box helicase 41; minus strand). Cytogenetic location: 5q35.3.
Variant type: single nucleotide variant.
Coding change: c.752C>T on transcript NM_016222.4 (MANE Select); coding-DNA position 752, C replaced by T.
Protein change: p.Pro251Leu; replaces proline 251 with leucine.
Molecular consequence: missense variant.
Genome position (GRCh38, 1-based): chr5:177,514,962, G>A on the plus strand (C>T on the coding strand, the complement: DDX41 is on the minus strand). VCF-style: chr5-177514962-G-A. GRCh37 (hg19) VCF-style: chr5-176941963-G-A.
Other names: c.374C>T, p.Pro125Leu (NM_001321732.2, NM_001321830.2); short protein forms P125L, P251L.
Identifiers: ClinVar variation 2971476 (VCV002971476.3), dbSNP rs1479512527, ClinGen allele CA362375180.

ClinVar aggregate classification (germline): Uncertain significance (1 of 4 stars; one submission).

Submission:

Labcorp Genetics (formerly Invitae), Labcorp
Classification: Uncertain significance. Last evaluated: 2022-11-28. Review status: criteria provided, single submitter. Criteria: Invitae Variant Classification Sherloc (09022015). Collection method: clinical testing. Allele origin: germline.
Comment: This variant is not present in population databases (gnomAD no frequency). In summary, the available evidence is currently insufficient to determine the role of this variant in disease. Therefore, it has been classified as a Variant of Uncertain Significance. Algorithms developed to predict the effect of missense changes on protein structure and function are either unavailable or do not agree on the potential impact of this missense change (SIFT: "Not Available"; PolyPhen-2: "Probably Damaging"; Align-GVGD: "Not Available"). This missense change has been observed in individual(s) with acute myeloid leukemia (PMID: 31484648). This sequence change replaces proline, which is neutral and non-polar, with leucine, which is neutral and non-polar, at codon 251 of the DDX41 protein (p.Pro251Leu).

Literature cited by the submitters: PubMed 31484648.